The following is an entry in ClinVar:

NM_001312909.2(FAM111A):c.851C>T (p.Ser284Leu)

Gene: FAM111A (FAM111 trypsin like peptidase A; plus strand). Cytogenetic location: 11q12.1.
Variant type: single nucleotide variant.
Coding change: c.851C>T on transcript NM_001312909.2 (MANE Select); coding-DNA position 851, C replaced by T.
Protein change: p.Ser284Leu; replaces serine 284 with leucine.
Molecular consequence: missense variant.
Genome position (GRCh38, 1-based): chr11:59,152,519, C>T. VCF-style: chr11-59152519-C-T. GRCh37 (hg19) VCF-style: chr11-58919992-C-T.
Other names: c.851C>T, p.Ser284Leu (NM_001142519.3, NM_001142520.3, NM_001142521.3 and 29 more transcripts); short protein forms S284L.
Identifiers: ClinVar variation 3511481 (VCV003511481.2).
Genomic context (GRCh38, chr11:59,152,519, plus strand): 5'-TTCAGGTTGAGGTTGAGAAAAGAATGGTCCCCAGTGCAGCAGCTTCTCAGAATCCTGAGT[C>T]AGAGAAAAGAAACACCTGTGTGTTGAGAGAACAAATCGTGGCTCAGTACCCCAGTTTGAA-3'
Protein context (NP_001299838.1, residues 274-294): PSAAASQNPE[Ser284Leu]EKRNTCVLRE

ClinVar aggregate classification (germline): Uncertain significance. Review status: criteria provided, multiple submitters, no conflicts (2 of 4 stars). 2 submissions from 2 submitters: Uncertain significance (2). Last evaluated 2025-12-24.

Conditions:
Inborn genetic diseases. Identifiers: MedGen C0950123, MeSH D030342.

gnomAD v4.1: 6 of 1,613,950 alleles (0.00037%); highest among the groups gnomAD compares: Non-Finnish European, 0.00042%; no homozygotes.

Submissions (2):

Labcorp Genetics (formerly Invitae), Labcorp
Classification: Uncertain significance. Last evaluated: 2025-12-24. Review status: criteria provided, single submitter. Criteria: Invitae Variant Classification Sherloc (09022015). Collection method: clinical testing. Allele origin: germline.
Comment: This sequence change replaces serine, which is neutral and polar, with leucine, which is neutral and non-polar, at codon 284 of the FAM111A protein (p.Ser284Leu). The frequency data for this variant in the population databases is considered unreliable, as metrics indicate poor data quality at this position in the gnomAD database. This variant has not been reported in the literature in individuals affected with FAM111A-related conditions. ClinVar contains an entry for this variant (Variation ID: 3511481). Invitae Evidence Modeling of protein sequence and biophysical properties (such as structural, functional, and spatial information, amino acid conservation, physicochemical variation, residue mobility, and thermodynamic stability) indicates that this missense variant is not expected to disrupt FAM111A protein function with a negative predictive value of 80%. In summary, the available evidence is currently insufficient to determine the role of this variant in disease. Therefore, it has been classified as a Variant of Uncertain Significance.

Ambry Genetics
Classification: Uncertain significance for Inborn genetic diseases. Last evaluated: 2024-07-06. Review status: criteria provided, single submitter. Criteria: Ambry Variant Classification Scheme 2023. Collection method: clinical testing. Allele origin: germline.